The following is an entry in ClinVar:

NM_000458.4(HNF1B):c.268C>A (p.Pro90Thr)

Gene: HNF1B (HNF1 homeobox B; minus strand). Cytogenetic location: 17q12.
Variant type: single nucleotide variant.
Coding change: c.268C>A on transcript NM_000458.4 (MANE Select); coding-DNA position 268, C replaced by A.
Protein change: p.Pro90Thr; replaces proline 90 with threonine.
Molecular consequence: missense variant.
Genome position (GRCh38, 1-based): chr17:37,744,617, G>T on the plus strand (C>A on the coding strand, the complement: HNF1B is on the minus strand). VCF-style: chr17-37744617-G-T. GRCh37 (hg19) VCF-style: chr17-36104608-G-T.
Other names: c.268C>A, p.Pro90Thr (NM_001165923.4, NM_001304286.2); short protein forms P90T.
Identifiers: ClinVar variation 892082 (VCV000892082.5), dbSNP rs772315985, ClinGen allele CA290293121.

ClinVar aggregate classification (germline): Conflicting classifications of pathogenicity. Review status: criteria provided, conflicting classifications (1 of 4 stars). 2 submissions from 2 submitters: Likely risk allele (1); Uncertain significance (1). Last evaluated 2018-01-12.

Conditions:
Maturity-onset diabetes of the young (MODY). Also called: Maturity onset diabetes mellitus in young. Identifiers: Orphanet 552, MedGen C0342276, MONDO:0018911, HP:0004904.
Renal cysts and diabetes syndrome (RCAD). Also called: Familial hypoplastic, glomerulocystic kidney; MATURITY-ONSET DIABETES OF THE YOUNG, TYPE 5. Identifiers: Orphanet 93111, MedGen C0431693, MONDO:0007669, OMIM 137920.

Allele frequency attached by ClinVar (database versions not stated): gnomAD 0.00001; gnomAD exomes 0.00001; TOPMed 0.00001.
gnomAD v4.1: 41 of 1,610,696 alleles (0.0025%); highest among the groups gnomAD compares: Non-Finnish European, 0.0035%; no homozygotes.

Submissions (2):

Illumina Laboratory Services, Illumina
Classification: Uncertain significance for Renal cysts and diabetes syndrome. Last evaluated: 2018-01-12. Review status: criteria provided, single submitter. Criteria: ICSL Variant Classification Criteria 13 December 2019. Collection method: clinical testing. Allele origin: germline.

Clinical Genomics, Uppaluri K&H Personalized Medicine Clinic
Classification: Likely risk allele for Maturity-onset diabetes of the young. Review status: criteria provided, single submitter. Criteria: K & H Uppaluri Personalized Medicine Clinic Variant Classification & Assertion Criteria_Updated V.1. Collection method: research. Allele origin: unknown. Inheritance: Autosomal dominant inheritance.
Comment: HNF1B gene mutations are associated with early onset diabetes and pancreatic atrophy. It is also associated with multiple renal manifestations including renal cysts, Tubulointerstitial disease, glomerulocystic disease, renal hypoplasia, hypomagnesemia. However no sufficient evidence is found to ascertain the role of this particular variant rs772315985, yet.

Literature cited by the submitters: PubMed 24897035 (cited by Clinical Genomics, Uppaluri K&H Personalized Medicine Clinic); PubMed 25536396 (cited by Clinical Genomics, Uppaluri K&H Personalized Medicine Clinic); PubMed 27615128 (cited by Clinical Genomics, Uppaluri K&H Personalized Medicine Clinic); PubMed 28215227 (cited by Clinical Genomics, Uppaluri K&H Personalized Medicine Clinic); PubMed 33434175 (cited by Clinical Genomics, Uppaluri K&H Personalized Medicine Clinic); PubMed 25741167 (cited by Clinical Genomics, Uppaluri K&H Personalized Medicine Clinic); PubMed 26340261 (cited by Clinical Genomics, Uppaluri K&H Personalized Medicine Clinic); PubMed 19639018 (cited by Clinical Genomics, Uppaluri K&H Personalized Medicine Clinic).